The following is an entry in ClinVar:

NM_014989.7(RIMS1):c.3102C>G (p.Cys1034Trp)

Gene: RIMS1 (regulating synaptic membrane exocytosis 1; plus strand). Cytogenetic location: 6q13.
Variant type: single nucleotide variant.
Coding change: c.3102C>G on transcript NM_014989.7 (MANE Select); coding-DNA position 3102, C replaced by G.
Protein change: p.Cys1034Trp; replaces cysteine 1034 with tryptophan.
Molecular consequence: missense variant. On other transcripts: intron variant (14).
Genome position (GRCh38, 1-based): chr6:72,260,753, C>G. VCF-style: chr6-72260753-C-G. GRCh37 (hg19) VCF-style: chr6-72970456-C-G.
Other names: c.1452C>G, p.Cys484Trp (NM_001350430.2, NM_001350437.2, NM_001350421.2 and 2 more transcripts); c.1524C>G, p.Cys508Trp (NM_001350431.2, NM_001350433.2, NM_001350439.2 and 10 more transcripts); c.1521C>G, p.Cys507Trp (NM_001350432.2, NM_001350434.2, NM_001350436.2 and 13 more transcripts); c.1455C>G, p.Cys485Trp (NM_001350459.2, NM_001350462.2, NM_001350424.2 and 1 more transcripts); c.1278C>G, p.Cys426Trp (NM_001350461.2, NM_001350463.2); c.1281C>G, p.Cys427Trp (NM_001350464.2, NM_001350465.2, NM_001350466.2 and 2 more transcripts); c.1479C>G, p.Cys493Trp (NM_001168410.2, NM_001350470.2, NM_001350473.2); c.1476C>G, p.Cys492Trp (NM_001350472.2); and 5 more; short protein forms C427W, C493W, C492W, C426W, C484W, C485W, C1034W, C507W.
Identifiers: ClinVar variation 2076726 (VCV002076726.4), dbSNP rs2552137112, ClinGen allele CA364683889.

ClinVar aggregate classification (germline): Uncertain significance (1 of 4 stars; one submission).

Submission:

Labcorp Genetics (formerly Invitae), Labcorp
Classification: Uncertain significance. Last evaluated: 2023-12-07. Review status: criteria provided, single submitter. Criteria: Invitae Variant Classification Sherloc (09022015). Collection method: clinical testing. Allele origin: germline.
Comment: This sequence change replaces cysteine, which is neutral and slightly polar, with tryptophan, which is neutral and slightly polar, at codon 1034 of the RIMS1 protein (p.Cys1034Trp). This variant is not present in population databases (gnomAD no frequency). This variant has not been reported in the literature in individuals affected with RIMS1-related conditions. ClinVar contains an entry for this variant (Variation ID: 2076726). An algorithm developed to predict the effect of missense changes on protein structure and function (PolyPhen-2) suggests that this variant is likely to be disruptive. In summary, the available evidence is currently insufficient to determine the role of this variant in disease. Therefore, it has been classified as a Variant of Uncertain Significance.